The following is an entry in ClinVar:

ClinVar aggregate classification (germline): Uncertain significance (1 of 4 stars; one submission).

Conditions:
Inborn genetic diseases. Identifiers: MedGen C0950123, MeSH D030342.

Submission:

Ambry Genetics
Classification: Uncertain significance for Inborn genetic diseases. Last evaluated: 2025-02-21. Review status: criteria provided, single submitter. Criteria: Ambry Variant Classification Scheme 2023. Collection method: clinical testing. Allele origin: germline.
Comment: The p.S504T variant (also known as c.1510T>A), located in coding exon 7 of the SH2B3 gene, results from a T to A substitution at nucleotide position 1510. The serine at codon 504 is replaced by threonine, an amino acid with similar properties. This amino acid position is conserved. In addition, this alteration is predicted to be tolerated by in silico analysis. Based on the available evidence, the clinical significance of this variant remains unclear.

NM_005475.3(SH2B3):c.1510T>A (p.Ser504Thr)

Gene: SH2B3 (SH2B adaptor protein 3; plus strand). Cytogenetic location: 12q24.12.
Variant type: single nucleotide variant.
Coding change: c.1510T>A on transcript NM_005475.3 (MANE Select); coding-DNA position 1510, T replaced by A.
Protein change: p.Ser504Thr; replaces serine 504 with threonine.
Molecular consequence: missense variant.
Genome position (GRCh38, 1-based): chr12:111,448,084, T>A. VCF-style: chr12-111448084-T-A. GRCh37 (hg19) VCF-style: chr12-111885888-T-A.
Other names: c.904T>A, p.Ser302Thr (NM_001291424.1); short protein forms S504T, S302T.
Identifiers: ClinVar variation 3795214 (VCV003795214.1).